The following is an entry in ClinVar:

NM_001022.4(RPS19):c.1-13C>T

Genes: RPS19 (ribosomal protein S19; plus strand), RPS19-CD79A (RPS19-CD79A readthrough; plus strand). Cytogenetic location: 19q13.2.
Variant type: single nucleotide variant.
Coding change: c.1-13C>T on transcript NM_001022.4 (MANE Select); 13 bases into the intron before coding-DNA position 1, C replaced by T.
Molecular consequence: intron variant.
Genome position (GRCh38, 1-based): chr19:41,860,762, C>T. VCF-style: chr19-41860762-C-T. GRCh37 (hg19) VCF-style: chr19-42364832-C-T.
Other names: c.1-13C>T (NM_001321484.2, NM_001321485.2, NM_001321483.2).
Identifiers: ClinVar variation 894042 (VCV000894042.6), dbSNP rs200634600, ClinGen allele CA9465247.

ClinVar aggregate classification (germline): Benign/Likely benign. Review status: criteria provided, multiple submitters, no conflicts (2 of 4 stars). 3 submissions from 3 submitters: Benign (1); Likely benign (2). Last evaluated 2024-11-14.

Conditions:
Diamond-Blackfan anemia 1 (DBA1). Also called: RPS19-Related Diamond-Blackfan Anemia; BLACKFAN-DIAMOND SYNDROME; ANEMIA, CONGENITAL HYPOPLASTIC, OF BLACKFAN AND DIAMOND; ANEMIA, CONGENITAL ERYTHROID HYPOPLASTIC; RED CELL APLASIA, PURE, HEREDITARY; AREGENERATIVE ANEMIA, CHRONIC CONGENITAL. Identifiers: Orphanet 124, MedGen C2676137, MONDO:0007110, OMIM 105650.

Allele frequency attached by ClinVar (database versions not stated): gnomAD 0.00028 and 0.00034; TOPMed 0.00029; ExAC 0.00064; gnomAD exomes 0.00065; 1000 Genomes Project 30x 0.00094; 1000 Genomes Project 0.00120.
gnomAD v4.1: 334 of 1,609,646 alleles (0.021%); highest among the groups gnomAD compares: East Asian, 0.68%; 2 homozygotes.

Submissions (3):

Blueprint Genetics
Classification: Likely benign. Last evaluated: 2024-11-14. Review status: criteria provided, single submitter. Criteria: ACMG Guidelines, 2015. Collection method: clinical testing. Allele origin: germline.

Fulgent Genetics
Classification: Likely benign for Diamond-Blackfan anemia 1. Last evaluated: 2021-09-14. Review status: criteria provided, single submitter. Criteria: ACMG Guidelines, 2015. Collection method: clinical testing. Allele origin: unknown.

Illumina Laboratory Services, Illumina
Classification: Benign for Diamond-Blackfan anemia 1. Last evaluated: 2018-01-12. Review status: criteria provided, single submitter. Criteria: ICSL Variant Classification Criteria 13 December 2019. Collection method: clinical testing. Allele origin: germline.
Comment: This variant was observed in the ICSL laboratory as part of a predisposition screen in an ostensibly healthy population. It had not been previously curated by ICSL or reported in the Human Gene Mutation Database (HGMD: prior to June 1st, 2018), and was therefore a candidate for classification through an automated scoring system. Utilizing variant allele frequency, disease prevalence and penetrance estimates, and inheritance mode, an automated score was calculated to assess if this variant is too frequent to cause the disease. Based on the score and internal cut-off values, a variant classified as benign is not then subjected to further curation. The score for this variant resulted in a classification of benign for this disease.